The following is an entry in ClinVar:

NM_000515.5(GH1):c.591_594delinsGCA (p.Asp197fs)

Genes: GH-LCR (growth hormone locus control region; plus strand), GH1 (growth hormone 1; minus strand). Cytogenetic location: 17q23.3.
Variant type: Indel.
Coding change: c.591_594delinsGCA on transcript NM_000515.5 (MANE Select); coding-DNA positions 591 to 594, CAAG replaced by GCA.
Protein change: p.Asp197fs; shifts the reading frame from aspartic acid 197.
Molecular consequence: frameshift variant.
Genome position (GRCh38, 1-based): chr17:63,917,369-63,917,372, CTTG replaced by TGC on the plus strand (CAAG replaced by GCA on the coding strand, the reverse complement: GH1 is on the minus strand). VCF-style: chr17-63917369-CTTG-TGC. GRCh37 (hg19) VCF-style: chr17-61994729-CTTG-TGC.
Other names: c.546_549delinsGCA, p.Asp182fs (NM_022559.4); c.471_474delinsGCA, p.Asp157fs (NM_022560.4); short protein forms D157fs, D182fs, D197fs.
Identifiers: ClinVar variation 4071746 (VCV004071746.1).
Genomic context (GRCh38, chr17:63,917,369, plus strand): 5'-CTAGAAGCCACAGCTGCCCTCCACAGAGCGGCACTGCACGATGCGCAGGAATGTCTCGAC[CTTG>TGC]TCCATGTCCTTCCTGAAGCAGTAGAGCAGCCCGTAGTTCTTGAGTAGTGCGTCATCGTTG-3'

ClinVar aggregate classification (germline): Uncertain significance (1 of 4 stars; one submission).

Submission:

GeneDx
Classification: Uncertain significance. Last evaluated: 2025-01-22. Review status: criteria provided, single submitter. Criteria: GeneDx Variant Classification Process June 2021. Collection method: clinical testing. Allele origin: germline. Affected: yes.
Comment: Frameshift variant predicted to result in abnormal protein length as the last 21 amino acid are replaced with 50 different amino acid; Not observed at significant frequency in large population cohorts (gnomAD); Has not been previously published as pathogenic or benign to our knowledge